The following is an entry in ClinVar:

NM_001039591.3(USP9X):c.5023G>A (p.Gly1675Ser)

Gene: USP9X (ubiquitin specific peptidase 9 X-linked; plus strand). Cytogenetic location: Xp11.4.
Variant type: single nucleotide variant.
Coding change: c.5023G>A on transcript NM_001039591.3 (MANE Select); coding-DNA position 5023, G replaced by A.
Protein change: p.Gly1675Ser; replaces glycine 1675 with serine.
Molecular consequence: missense variant.
Genome position (GRCh38, 1-based): chrX:41,210,516, G>A. VCF-style: chrX-41210516-G-A. GRCh37 (hg19) VCF-style: chrX-41069769-G-A.
Other names: c.5023G>A, p.Gly1675Ser (NM_001039590.3); c.5038G>A, p.Gly1680Ser (NM_001410748.1, NM_001410749.1); short protein forms G1675S, G1680S.
Identifiers: ClinVar variation 3375689 (VCV003375689.2).

ClinVar aggregate classification (germline): Uncertain significance (1 of 4 stars; one submission).

Submission:

GeneDx
Classification: Uncertain significance. Last evaluated: 2026-08-08. Review status: criteria provided, single submitter. Criteria: GeneDx Variant Classification Process June 2021. Collection method: clinical testing. Allele origin: germline.
Comment: Not observed at significant frequency in large population cohorts (gnomAD); In silico analysis supports that this missense variant has a deleterious effect on protein structure/function; Has not been previously published as pathogenic or benign to our knowledge